The following is an entry in ClinVar:

ClinVar aggregate classification (germline): Conflicting classifications of pathogenicity. Review status: criteria provided, conflicting classifications (1 of 4 stars). 4 submissions from 4 submitters: Uncertain significance (3); Likely benign (1). Last evaluated 2026-06-22.

Conditions:
Hereditary cancer-predisposing syndrome. Also called: Tumor predisposition; Hereditary neoplastic syndrome; Neoplastic Syndromes, Hereditary; Hereditary Cancer Syndrome. Identifiers: Orphanet 140162, MedGen C0027672, MeSH D009386, MONDO:0015356.
Familial adenomatous polyposis 2. Also called: MYH-associated polyposis; MUTYH-related attenuated familial adenomatous polyposis; COLORECTAL ADENOMATOUS POLYPOSIS, AUTOSOMAL RECESSIVE; Adenomas, multiple colorectal; MUTYH-associated polyposis; MUTYH Polyposis. Identifiers: Orphanet 220460, Orphanet 247798, MedGen C3272841, MONDO:0012041, OMIM 608456.

Allele frequency attached by ClinVar (database versions not stated): gnomAD exomes below 0.00001; TOPMed 0.00001; gnomAD 0.00001.
gnomAD v4.1: 3 of 1,613,828 alleles (0.00019%); highest among the groups gnomAD compares: African/African-American, 0.004%; no homozygotes.

Submissions (4):

Women's Health and Genetics/Laboratory Corporation of America, LabCorp
Classification: Uncertain significance. Last evaluated: 2026-06-22. Review status: criteria provided, single submitter. Criteria: LabCorp Variant Classification Summary - May 2015. Collection method: clinical testing. Allele origin: germline.

Labcorp Genetics (formerly Invitae), Labcorp
Classification: Uncertain significance for Familial adenomatous polyposis 2. Last evaluated: 2025-05-12. Review status: criteria provided, single submitter. Criteria: Invitae Variant Classification Sherloc (09022015). Collection method: clinical testing. Allele origin: germline.
Comment: This sequence change replaces serine, which is neutral and polar, with tyrosine, which is neutral and polar, at codon 508 of the MUTYH protein (p.Ser508Tyr). This variant is not present in population databases (gnomAD no frequency). This variant has not been reported in the literature in individuals affected with MUTYH-related conditions. ClinVar contains an entry for this variant (Variation ID: 483906). An algorithm developed to predict the effect of missense changes on protein structure and function (PolyPhen-2) suggests that this variant is likely to be tolerated. In summary, the available evidence is currently insufficient to determine the role of this variant in disease. Therefore, it has been classified as a Variant of Uncertain Significance.

Ambry Genetics
Classification: Likely benign for Hereditary cancer-predisposing syndrome. Last evaluated: 2024-10-16. Review status: criteria provided, single submitter. Criteria: Ambry Variant Classification Scheme 2023. Collection method: clinical testing. Allele origin: germline.

All of Us Research Program, National Institutes of Health
Classification: Uncertain significance for Familial adenomatous polyposis 2. Last evaluated: 2024-05-14. Review status: criteria provided, single submitter. Criteria: ACMG Guidelines, 2015. Collection method: clinical testing. Allele origin: germline. Inheritance: Autosomal recessive inheritance. Observed: 1 variant allele, 1 heterozygote.
Comment: This missense variant replaces serine with tyrosine at codon 508 of the MUTYH protein. Computational prediction suggests that this variant may not impact protein structure and function. To our knowledge, functional studies have not been reported for this variant. This variant has not been reported in individuals affected with MUTYH-related disorders in the literature. This variant has not been identified in the general population by the Genome Aggregation Database (gnomAD). The available evidence is insufficient to determine the role of this variant in disease conclusively. Therefore, this variant is classified as a Variant of Uncertain Significance.

This study involves interpretation of variants in research participants for the purpose of population health screening. Participant phenotype was not available at the time of variant classification. Additional details can be found in publication PMID: 35346344, PMCID: PMC8962531

NM_001048174.2(MUTYH):c.1439C>A (p.Ser480Tyr)

Gene: MUTYH (mutY DNA glycosylase; minus strand). Cytogenetic location: 1p34.1.
Variant type: single nucleotide variant.
Coding change: c.1439C>A on transcript NM_001048174.2 (MANE Select); coding-DNA position 1439, C replaced by A.
Protein change: p.Ser480Tyr; replaces serine 480 with tyrosine.
Molecular consequence: missense variant. On other transcripts: non-coding transcript variant (2).
Genome position (GRCh38, 1-based): chr1:45,329,433, G>T on the plus strand (C>A on the coding strand, the complement: MUTYH is on the minus strand). VCF-style: chr1-45329433-G-T. GRCh37 (hg19) VCF-style: chr1-45795105-G-T.
Other names: c.1439C>A, p.Ser480Tyr (NM_001048171.2, NM_001048173.2, NM_001293195.2); c.1442C>A, p.Ser481Tyr (NM_001048172.2); c.1523C>A, p.Ser508Tyr (NM_001128425.2); c.1484C>A, p.Ser495Tyr (NM_001293190.2); c.1472C>A, p.Ser491Tyr (NM_001293191.2); c.1163C>A, p.Ser388Tyr (NM_001293192.2, NM_001293196.2); c.1094C>A, p.Ser365Tyr (NM_001350650.2, NM_001350651.2); c.1514C>A, p.Ser505Tyr (NM_012222.3); short protein forms S508Y, S480Y, S505Y, S365Y, S491Y, S481Y, S495Y, S388Y.
Identifiers: ClinVar variation 483906 (VCV000483906.16), dbSNP rs1161972119, ClinGen allele CA340131960.